The following is an entry in ClinVar:

ClinVar aggregate classification (germline): Uncertain significance. Review status: criteria provided, multiple submitters, no conflicts (2 of 4 stars). 6 submissions from 6 submitters: Uncertain significance (6). Last evaluated 2025-10-02.

Conditions:
Inborn genetic diseases. Identifiers: MedGen C0950123, MeSH D030342.
Imerslund-Grasbeck syndrome. Also called: Imerslund-Gräsbeck syndrome; ENTEROCYTE COBALAMIN MALABSORPTION; ENTEROCYTE INTRINSIC FACTOR RECEPTOR, DEFECT OF; PERNICIOUS ANEMIA, JUVENILE, DUE TO SELECTIVE INTESTINAL MALABSORPTION OF VITAMIN B12, WITH PROTEINURIA; Megaloblastic anemia due to inborn errors of metabolism. Identifiers: Orphanet 35858, MedGen C4551825, MONDO:0009853.

Allele frequency attached by ClinVar (database versions not stated): gnomAD exomes 0.00006 and 0.00011; ExAC 0.00009; TOPMed 0.00009; gnomAD 0.00010.
gnomAD v4.1: 167 of 1,613,606 alleles (0.01%); highest among the groups gnomAD compares: Non-Finnish European, 0.014%; no homozygotes.

Submissions (6):

Labcorp Genetics (formerly Invitae), Labcorp
Classification: Uncertain significance for Imerslund-Grasbeck syndrome. Last evaluated: 2025-10-02. Review status: criteria provided, single submitter. Criteria: Invitae Variant Classification Sherloc (09022015). Collection method: clinical testing. Allele origin: germline.
Comment: This sequence change replaces lysine, which is basic and polar, with glutamic acid, which is acidic and polar, at codon 2090 of the CUBN protein (p.Lys2090Glu). This variant is present in population databases (rs201374966, gnomAD 0.02%). This variant has not been reported in the literature in individuals affected with CUBN-related conditions. ClinVar contains an entry for this variant (Variation ID: 439587). Invitae Evidence Modeling of protein sequence and biophysical properties (such as structural, functional, and spatial information, amino acid conservation, physicochemical variation, residue mobility, and thermodynamic stability) has been performed for this missense variant. However, the output from this modeling did not meet the statistical confidence thresholds required to predict the impact of this variant on CUBN protein function. In summary, the available evidence is currently insufficient to determine the role of this variant in disease. Therefore, it has been classified as a Variant of Uncertain Significance.

GeneDx
Classification: Uncertain significance. Last evaluated: 2024-07-17. Review status: criteria provided, single submitter. Criteria: GeneDx Variant Classification Process June 2021. Collection method: clinical testing. Allele origin: germline. Affected: yes.
Comment: Not observed at significant frequency in large population cohorts (gnomAD); In silico analysis indicates that this missense variant does not alter protein structure/function; Has not been previously published as pathogenic or benign to our knowledge

Blueprint Genetics
Classification: Uncertain significance. Last evaluated: 2024-03-05. Review status: criteria provided, single submitter. Criteria: ACMG Guidelines, 2015. Collection method: clinical testing. Allele origin: germline.

Women's Health and Genetics/Laboratory Corporation of America, LabCorp
Classification: Uncertain significance. Last evaluated: 2024-01-11. Review status: criteria provided, single submitter. Criteria: LabCorp Variant Classification Summary - May 2015. Collection method: clinical testing. Allele origin: germline.
Comment: Variant summary: CUBN c.6268A>G (p.Lys2090Glu) results in a conservative amino acid change located in the CUB domain (IPR000859) of the encoded protein sequence. Three of five in-silico tools predict a damaging effect of the variant on protein function. The variant allele was found at a frequency of 6.4e-05 in 251056 control chromosomes. To our knowledge, no occurrence of c.6268A>G in individuals affected with Imerslund-Grasbeck Syndrome Type 1 and no experimental evidence demonstrating its impact on protein function have been reported. ClinVar contains an entry for this variant (Variation ID: 439587). Based on the evidence outlined above, the variant was classified as uncertain significance.

Ambry Genetics
Classification: Uncertain significance for Inborn genetic diseases. Last evaluated: 2021-11-23. Review status: criteria provided, single submitter. Criteria: Ambry Variant Classification Scheme 2023. Collection method: clinical testing. Allele origin: germline.

ARUP Laboratories, Molecular Genetics and Genomics, ARUP Laboratories
Classification: Uncertain significance. Last evaluated: 2017-05-25. Review status: criteria provided, single submitter. Criteria: ARUP Molecular Germline Variant Investigation Process. Collection method: clinical testing. Allele origin: germline.
Comment: The p.Lys2090Glu variant (rs201374966) has not been reported in the medical literature, gene specific variation databases, nor has it been previously identified by our laboratory. This variant is listed in the Exome Aggregation Consortium Browser with an overall population frequency of 0.009 percent (identified on 11 out of 121,202 chromosomes). The lysine at position 2090 is highly conserved, up to Cow (considering 10 species) (Alamut v2.9.0) and computational analyses of the effects of the p.Lys2090Glu variant on protein structure and function provide conflicting results (SIFT: tolerated, MutationTaster: disease causing, PolyPhen-2: possibly damaging). Altogether, there is not enough evidence to classify the p.Lys2090Glu variant with certainty.

NM_001081.4(CUBN):c.6268A>G (p.Lys2090Glu)

Gene: CUBN (cubilin; minus strand). Cytogenetic location: 10p13.
Variant type: single nucleotide variant.
Coding change: c.6268A>G on transcript NM_001081.4 (MANE Select); coding-DNA position 6268, A replaced by G.
Protein change: p.Lys2090Glu; replaces lysine 2090 with glutamic acid.
Molecular consequence: missense variant.
Genome position (GRCh38, 1-based): chr10:16,928,160, T>C on the plus strand (A>G on the coding strand, the complement: CUBN is on the minus strand). VCF-style: chr10-16928160-T-C. GRCh37 (hg19) VCF-style: chr10-16970159-T-C.
Other names: short protein forms K2090E.
Identifiers: ClinVar variation 439587 (VCV000439587.21), dbSNP rs201374966, ClinGen allele CA5423749.